The following is an entry in ClinVar:

ClinVar aggregate classification (germline): Uncertain significance (1 of 4 stars; one submission).

gnomAD v4.1: 2 of 1,074,960 alleles (0.00019%); highest among the groups gnomAD compares: Non-Finnish European, 0.00022%; no homozygotes.

Submission:

Labcorp Genetics (formerly Invitae), Labcorp
Classification: Uncertain significance. Last evaluated: 2025-04-18. Review status: criteria provided, single submitter. Criteria: Invitae Variant Classification Sherloc (09022015). Collection method: clinical testing. Allele origin: germline.
Comment: This sequence change replaces tyrosine, which is neutral and polar, with phenylalanine, which is neutral and non-polar, at codon 964 of the GRIN2D protein (p.Tyr964Phe). The frequency data for this variant in the population databases is considered unreliable, as metrics indicate insufficient coverage at this position in the gnomAD database. This variant has not been reported in the literature in individuals affected with GRIN2D-related conditions. Invitae Evidence Modeling of protein sequence and biophysical properties (such as structural, functional, and spatial information, amino acid conservation, physicochemical variation, residue mobility, and thermodynamic stability) indicates that this missense variant is not expected to disrupt GRIN2D protein function with a negative predictive value of 95%. In summary, the available evidence is currently insufficient to determine the role of this variant in disease. Therefore, it has been classified as a Variant of Uncertain Significance.

NM_000836.4(GRIN2D):c.2891A>T (p.Tyr964Phe)

Gene: GRIN2D (glutamate ionotropic receptor NMDA type subunit 2D; plus strand). Cytogenetic location: 19q13.33.
Variant type: single nucleotide variant.
Coding change: c.2891A>T on transcript NM_000836.4 (MANE Select); coding-DNA position 2891, A replaced by T.
Protein change: p.Tyr964Phe; replaces tyrosine 964 with phenylalanine.
Molecular consequence: missense variant.
Genome position (GRCh38, 1-based): chr19:48,442,817, A>T. VCF-style: chr19-48442817-A-T. GRCh37 (hg19) VCF-style: chr19-48946074-A-T.
Other names: short protein forms Y964F.
Identifiers: ClinVar variation 4761483 (VCV004761483.1).
Genomic context (GRCh38, chr19:48,442,817, plus strand): 5'-GCCGGACCAAGGGCGCGGGGCCGCCGGGGGGCGCGGGCCTGGCCGACGGCTTCCACCGCT[A>T]CTACGGCCCCATCGAGCCGCAGGGCCTAGGCCTCGGCCTGGGCGAAGCGCGCGCGGCACC-3'
Protein context (NP_000827.2, residues 954-974): GAGLADGFHR[Tyr964Phe]YGPIEPQGLG